The following is an entry in ClinVar:

NM_032217.5(ANKRD17):c.1361T>A (p.Leu454His)

Gene: ANKRD17 (ankyrin repeat domain 17; minus strand). Cytogenetic location: 4q13.3.
Variant type: single nucleotide variant.
Coding change: c.1361T>A on transcript NM_032217.5 (MANE Select); coding-DNA position 1361, T replaced by A.
Protein change: p.Leu454His; replaces leucine 454 with histidine.
Molecular consequence: missense variant.
Genome position (GRCh38, 1-based): chr4:73,149,019, A>T on the plus strand (T>A on the coding strand, the complement: ANKRD17 is on the minus strand). VCF-style: chr4-73149019-A-T. GRCh37 (hg19) VCF-style: chr4-74014736-A-T.
Other names: c.1022T>A, p.Leu341His (NM_001286771.3); c.1361T>A, p.Leu454His (NM_015574.2, NM_198889.3); short protein forms L454H, L341H.
Identifiers: ClinVar variation 3867267 (VCV003867267.2).

ClinVar aggregate classification (germline): Uncertain significance (1 of 4 stars; one submission).

Conditions:
Inborn genetic diseases. Identifiers: MedGen C0950123, MeSH D030342.

Submission:

Ambry Genetics
Classification: Uncertain significance for Inborn genetic diseases. Last evaluated: 2025-06-12. Review status: criteria provided, single submitter. Criteria: Ambry Variant Classification Scheme 2023. Collection method: clinical testing. Allele origin: germline.
Comment: The c.1361T>A (p.L454H) alteration is located in exon 8 (coding exon 8) of the ANKRD17 gene. This alteration results from a T to A substitution at nucleotide position 1361, causing the leucine (L) at amino acid position 454 to be replaced by a histidine (H). This variant was not reported in population-based cohorts in the Genome Aggregation Database (gnomAD). This amino acid position is highly conserved in available vertebrate species. This missense alteration is located in a region that has a low rate of benign missense variation (Lek, 2016; Firth, 2009). This alteration is predicted to be deleterious by in silico analysis. Based on insufficient or conflicting evidence, the clinical significance of this alteration remains unclear.